The following is an entry in ClinVar:

NM_001348716.2(KDM6B):c.2516C>T (p.Pro839Leu)

Gene: KDM6B (lysine demethylase 6B; plus strand). Cytogenetic location: 17p13.1.
Variant type: single nucleotide variant.
Coding change: c.2516C>T on transcript NM_001348716.2 (MANE Select); coding-DNA position 2516, C replaced by T.
Protein change: p.Pro839Leu; replaces proline 839 with leucine.
Molecular consequence: missense variant.
Genome position (GRCh38, 1-based): chr17:7,848,804, C>T. VCF-style: chr17-7848804-C-T. GRCh37 (hg19) VCF-style: chr17-7752122-C-T.
Other names: c.2516C>T, p.Pro839Leu (NM_001080424.2); short protein forms P839L.
Identifiers: ClinVar variation 2501102 (VCV002501102.2), dbSNP rs1003929879, ClinGen allele CA287516100.

ClinVar aggregate classification (germline): Uncertain significance. Review status: criteria provided, multiple submitters, no conflicts (2 of 4 stars). 2 submissions from 2 submitters: Uncertain significance (2). Last evaluated 2024-09-30.

Conditions:
Inborn genetic diseases. Identifiers: MedGen C0950123, MeSH D030342.

Allele frequency attached by ClinVar (database versions not stated): gnomAD exomes below 0.00001; gnomAD 0.00001; TOPMed 0.00001.
gnomAD v4.1: 3 of 1,612,690 alleles (0.00019%); highest among the groups gnomAD compares: African/African-American, 0.004%; no homozygotes.

Submissions (2):

Ambry Genetics
Classification: Uncertain significance for Inborn genetic diseases. Last evaluated: 2024-09-30. Review status: criteria provided, single submitter. Criteria: Ambry Variant Classification Scheme 2023. Collection method: clinical testing. Allele origin: germline.

Women's Health and Genetics/Laboratory Corporation of America, LabCorp
Classification: Uncertain significance. Last evaluated: 2023-03-28. Review status: criteria provided, single submitter. Criteria: LabCorp Variant Classification Summary - May 2015. Collection method: clinical testing. Allele origin: germline.
Comment: Variant summary: JMJD3 c.2516C>T (p.Pro839Leu) results in a non-conservative amino acid change in the encoded protein sequence. Three of five in-silico tools predict a benign effect of the variant on protein function. The variant was absent in 247410 control chromosomes (gnomAD). The available data on variant occurrences in the general population are insufficient to allow any conclusion about variant significance. To our knowledge, no occurrence of c.2516C>T in individuals affected with Neurodevelopmental Disorder With Coarse Facies And Mild Distal Skeletal Abnormalities and no experimental evidence demonstrating its impact on protein function have been reported. No clinical diagnostic laboratories have submitted clinical-significance assessments for this variant to ClinVar after 2014. Based on the evidence outlined above, the variant was classified as uncertain significance.